The following is an entry in ClinVar:

ClinVar aggregate classification (germline): Uncertain significance (1 of 4 stars; one submission).

Conditions:
Aortic aneurysm, familial thoracic 4 (AAT4). Also called: AORTIC ANEURYSM/AORTIC DISSECTION AND PATENT DUCTUS ARTERIOSUS. Identifiers: MedGen C1851504, MONDO:0007568, OMIM 132900.

Submission:

Labcorp Genetics (formerly Invitae), Labcorp
Classification: Uncertain significance for Aortic aneurysm, familial thoracic 4. Last evaluated: 2022-12-20. Review status: criteria provided, single submitter. Criteria: Invitae Variant Classification Sherloc (09022015). Collection method: clinical testing. Allele origin: germline.
Comment: In summary, the available evidence is currently insufficient to determine the role of this variant in disease. Therefore, it has been classified as a Variant of Uncertain Significance. This sequence change replaces alanine, which is neutral and non-polar, with aspartic acid, which is acidic and polar, at codon 1589 of the MYH11 protein (p.Ala1589Asp). This variant is not present in population databases (gnomAD no frequency). This variant has not been reported in the literature in individuals affected with MYH11-related conditions. Advanced modeling of protein sequence and biophysical properties (such as structural, functional, and spatial information, amino acid conservation, physicochemical variation, residue mobility, and thermodynamic stability) performed at Invitae indicates that this missense variant is not expected to disrupt MYH11 protein function.

NM_002474.3(MYH11):c.4745C>A (p.Ala1582Asp)

Genes: MYH11 (myosin heavy chain 11; minus strand), NDE1 (nudE neurodevelopment protein 1; plus strand). Cytogenetic location: 16p13.11.
Variant type: single nucleotide variant.
Coding change: c.4745C>A on transcript NM_002474.3 (MANE Select); coding-DNA position 4745, C replaced by A.
Protein change: p.Ala1582Asp; replaces alanine 1582 with aspartic acid.
Molecular consequence: missense variant. On other transcripts: intron variant (2).
Genome position (GRCh38, 1-based): chr16:15,720,885, G>T on the plus strand (C>A on the coding strand, the complement: MYH11 is on the minus strand). VCF-style: chr16-15720885-G-T. GRCh37 (hg19) VCF-style: chr16-15814742-G-T.
Other names: c.4766C>A, p.Ala1589Asp (NM_001040113.2, NM_001040114.2); c.4745C>A, p.Ala1582Asp (NM_022844.3); c.948-3306G>T (NM_001143979.2, NM_017668.3); short protein forms A1582D, A1589D.
Identifiers: ClinVar variation 2822353 (VCV002822353.3), dbSNP rs1315936081, ClinGen allele CA394853531.